The following is an entry in ClinVar:

ClinVar aggregate classification (germline): Likely pathogenic (1 of 4 stars; one submission).

Conditions:
GM3 synthase deficiency (SPDRS). Also called: SALT AND PEPPER MENTAL RETARDATION SYNDROME; AMISH INFANTILE EPILEPSY SYNDROME; SALT AND PEPPER DEVELOPMENTAL REGRESSION SYNDROME. Identifiers: Orphanet 171714, Orphanet 370933, MedGen C1836824, MONDO:0018274, OMIM 609056.

Allele frequency attached by ClinVar (database versions not stated): gnomAD 0.00001; gnomAD exomes 0.00001; TOPMed 0.00001.
gnomAD v4.1: 4 of 1,613,884 alleles (0.00025%); highest among the groups gnomAD compares: Non-Finnish European, 0.00034%; no homozygotes.

Submission:

Labcorp Genetics (formerly Invitae), Labcorp
Classification: Likely pathogenic for GM3 synthase deficiency. Last evaluated: 2022-12-18. Review status: criteria provided, single submitter. Criteria: Invitae Variant Classification Sherloc (09022015). Collection method: clinical testing. Allele origin: germline.
Comment: This sequence change affects an acceptor splice site in intron 4 of the ST3GAL5 gene. It is expected to disrupt RNA splicing. Variants that disrupt the donor or acceptor splice site typically lead to a loss of protein function (PMID: 16199547), and loss-of-function variants in ST3GAL5 are known to be pathogenic (PMID: 15502825, 22990144, 27232954). This variant is present in population databases (no rsID available, gnomAD 0.0009%). This variant has not been reported in the literature in individuals affected with ST3GAL5-related conditions. Algorithms developed to predict the effect of sequence changes on RNA splicing suggest that this variant may disrupt the consensus splice site. In summary, the currently available evidence indicates that the variant is pathogenic, but additional data are needed to prove that conclusively. Therefore, this variant has been classified as Likely Pathogenic.

Literature cited by the submitters: PubMed 16199547; PubMed 15502825; PubMed 22990144; PubMed 27232954.

NM_003896.4(ST3GAL5):c.663-1G>A

Gene: ST3GAL5 (ST3 beta-galactoside alpha-2,3-sialyltransferase 5; minus strand). Cytogenetic location: 2p11.2.
Variant type: single nucleotide variant.
Coding change: c.663-1G>A on transcript NM_003896.4 (MANE Select); the canonical splice acceptor site of the intron before coding-DNA position 663, G replaced by A.
Molecular consequence: splice acceptor variant.
Genome position (GRCh38, 1-based): chr2:85,846,564, C>T on the plus strand (G>A on the coding strand, the complement: ST3GAL5 is on the minus strand). VCF-style: chr2-85846564-C-T. GRCh37 (hg19) VCF-style: chr2-86073687-C-T.
Other names: c.279-1G>A (NM_001354226.2, NM_001354233.2, NM_001354224.2 and 3 more transcripts); c.579-1G>A (NM_001354227.2, NM_001354229.2, NM_001354238.1); c.594-1G>A (NM_001042437.2); c.663-1G>A (NM_001363847.1); c.-61-1G>A (NM_001354247.1).
Identifiers: ClinVar variation 2806138 (VCV002806138.3), dbSNP rs1255058507, ClinGen allele CA347531452.